The following is an entry in ClinVar:

NM_178857.6(RP1L1):c.3970_3971insGGACTAAAGAAACGGAAGAAGGGCTGCAAGAAGAGGCGGTGGAGTTAGAGGAAACTAAAACAGAAGAAGGGCTGCAAGAAGAGAGGGTGCAGTTAGAGG (p.Glu1323_Glu1324insGlyThrLysGluThrGluGluGlyLeuGlnGluGluAlaValGluLeuGluGluThrLysThrGluGluGlyLeuGlnGluGluArgValGlnLeuGlu)

Gene: RP1L1 (RP1 like 1). Cytogenetic location: 8p23.1.
Variant type: Insertion.
Coding change: c.3970_3971insGGACTAAAGAAACGGAAGAAGGGCTGCAAGAAGAGGCGGTGGAGTTAGAGGAAACTAAAACAGAAGAAGGGCTGCAAGAAGAGAGGGTGCAGTTAGAGG on transcript NM_178857.6 (MANE Select); coding-DNA positions 3970 to 3971, GGACTAAAGAAACGGAAGAAGGGCTGCAAGAAGAGGCGGTGGAGTTAGAGGAAACTAAAACAGAAGAAGGGCTGCAAGAAGAGAGGGTGCAGTTAGAGG inserted.
Protein change: p.Glu1323_Glu1324insGlyThrLysGluThrGluGluGlyLeuGlnGluGluAlaValGluLeuGluGluThrLysThrGluGluGlyLeuGlnGluGluArgValGlnLeuGlu.
Molecular consequence: inframe insertion.
Genome position: GRCh38: chr8:10,610,141-10,610,142. GRCh37 (hg19): chr8:10,467,651-10,467,652.
Identifiers: ClinVar variation 4884154 (VCV004884154.2).

ClinVar aggregate classification (germline): Uncertain significance (1 of 4 stars; one submission).

Submission:

Dasa
Classification: Uncertain significance. Last evaluated: 2026-01-27. Review status: criteria provided, single submitter. Criteria: DASA Assertion Criteria. Collection method: clinical testing. Allele origin: germline.
Comment: NM_178857.6(RP1L1):c.3970_3971insGGACTAAAGAAACGGAAGAAGGGCTGCAAGAAGAGGCGGTGGAGTTAGAGGAAACTAAAACAGAAGAAGGGCTGCAAGAAGAGAGGGTGCAGTTAGAGG (p.Glu1323_Glu1324insGlyThrLysGluThrGluGluGlyLeuGlnGluGluAlaValGluLeuGluGluThrLysThrGluGluGlyLeuGlnGluGluArgValGlnLeuGlu) is an in-frame insertion/deletion-insertion predicted to alter the protein sequence without shifting the reading frame. This variant is rare in population databases. The currently available literature and clinical evidence are not sufficient to establish a definitive association between this variant and the reported condition. Therefore, this variant is classified as a variant of uncertain significance.